The following is an entry in ClinVar:

ClinVar aggregate classification (germline): Pathogenic. Review status: criteria provided, multiple submitters, no conflicts (2 of 4 stars). 2 submissions from 2 submitters: Pathogenic (2). Last evaluated 2024-11-18.

Conditions:
Hereditary breast ovarian cancer syndrome. Also called: Hereditary breast and ovarian cancer syndrome (HBOC); Breast and ovarian cancer; BRCA1- and BRCA2-Associated Hereditary Breast and Ovarian Cancer; Hereditary breast and ovarian cancer syndrome; Hereditary breast and ovarian cancer; Hereditary breast and/or ovarian cancer syndrome. Identifiers: Orphanet 145, MedGen C0677776, MeSH D061325, MONDO:0003582. Disease mechanism: loss of function.

Submissions (2):

Labcorp Genetics (formerly Invitae), Labcorp
Classification: Pathogenic for Hereditary breast ovarian cancer syndrome. Last evaluated: 2024-11-18. Review status: criteria provided, single submitter. Criteria: Invitae Variant Classification Sherloc (09022015). Collection method: clinical testing. Allele origin: germline.
Comment: This sequence change creates a premature translational stop signal (p.Ser573*) in the BRCA1 gene. It is expected to result in an absent or disrupted protein product. Loss-of-function variants in BRCA1 are known to be pathogenic (PMID: 20104584). This variant is not present in population databases (gnomAD no frequency). This variant has not been reported in the literature in individuals affected with BRCA1-related conditions. ClinVar contains an entry for this variant (Variation ID: 2842766). For these reasons, this variant has been classified as Pathogenic.

Quest Diagnostics Nichols Institute San Juan Capistrano
Classification: Pathogenic. Last evaluated: 2023-12-28. Review status: criteria provided, single submitter. Criteria: Quest Diagnostics criteria. Collection method: clinical testing. Allele origin: unknown.
Comment: The BRCA1 c.1718C>G (p.Ser573*) variant causes the premature termination of BRCA1 protein synthesis. This variant has not been reported in individuals with BRCA1-related conditions in the published literature. This variant has not been reported in large, multi-ethnic general populations (Genome Aggregation Database). Based on the available information, this variant is classified as pathogenic.

Literature cited by the submitters: PubMed 20104584 (cited by Labcorp Genetics (formerly Invitae), Labcorp).

NM_007294.4(BRCA1):c.1718C>G (p.Ser573Ter)

Gene: BRCA1 (BRCA1 DNA repair associated; minus strand). Cytogenetic location: 17q21.31.
Variant type: single nucleotide variant.
Coding change: c.1718C>G on transcript NM_007294.4 (MANE Select); coding-DNA position 1718, C replaced by G.
Protein change: p.Ser573Ter; replaces serine 573 with a stop codon.
Molecular consequence: nonsense. On other transcripts: intron variant (137).
Genome position (GRCh38, 1-based): chr17:43,093,813, G>C on the plus strand (C>G on the coding strand, the complement: BRCA1 is on the minus strand). VCF-style: chr17-43093813-G-C. GRCh37 (hg19) VCF-style: chr17-41245830-G-C.
Other names: c.1577C>G, p.Ser526Ter (NM_001407751.1, NM_001407752.1, NM_001407692.1 and 29 more transcripts); c.1574C>G, p.Ser525Ter (NM_001407838.1, NM_001407845.1, NM_001407842.1 and 20 more transcripts); c.577+931C>G (NM_001408514.1, NM_001408485.1, NM_001408483.1 and 9 more transcripts); c.784+931C>G (NM_001407972.1, NM_001408400.1, NM_001408392.1 and 13 more transcripts); c.661+931C>G (NM_001408447.1, NM_001408433.1, NM_001408446.1 and 6 more transcripts); c.1505C>G, p.Ser502Ter (NM_001407571.1, NM_001407853.1, NM_001407894.1 and 9 more transcripts); c.1718C>G, p.Ser573Ter (NM_001407581.1, NM_001407582.1, NM_001407583.1 and 30 more transcripts); c.1715C>G, p.Ser572Ter (NM_001407587.1, NM_001407590.1, NM_001407591.1 and 22 more transcripts); and 40 more; short protein forms S405*, S505*, S446*, S526*, S531*, S532*, S277*, S461*.
Identifiers: ClinVar variation 2842766 (VCV002842766.4), dbSNP rs876660434, ClinGen allele CA10598592.